The following is an entry in ClinVar:

ClinVar aggregate classification (germline): Benign. Review status: criteria provided, multiple submitters, no conflicts (2 of 4 stars). 7 submissions from 7 submitters: Benign (6). 1 of the submissions does not count toward it. Last evaluated 2026-02-04.

Conditions:
Abetalipoproteinaemia (ABL). Also called: MTP DEFICIENCY; Abetalipoproteinemia; Abetalipoproteinemia neuropathy; Apolipoprotein B deficiency; Congenital betalipoprotein deficiency syndrome. Identifiers: Orphanet 14, MedGen C0000744, MONDO:0008692, OMIM 200100, HP:0008181.

Allele frequency attached by ClinVar (database versions not stated): 1000 Genomes Project 0.02057; 1000 Genomes Project 30x 0.02186; ExAC 0.03182; gnomAD 0.03789 and 0.03960; TOPMed 0.03816; ESP Exome Variant Server 0.04083.
gnomAD v4.1: 57,073 of 1,601,294 alleles (3.6%); highest among the groups gnomAD compares: African/African-American, 5.3%; 1,172 homozygotes.

Submissions (7):

Labcorp Genetics (formerly Invitae), Labcorp
Classification: Benign. Last evaluated: 2026-02-04. Review status: criteria provided, single submitter. Criteria: Invitae Variant Classification Sherloc (09022015). Collection method: clinical testing. Allele origin: germline.

Women's Health and Genetics/Laboratory Corporation of America, LabCorp
Classification: Benign. Last evaluated: 2021-12-18. Review status: criteria provided, single submitter. Criteria: LabCorp Variant Classification Summary - May 2015. Collection method: clinical testing. Allele origin: germline.

GeneDx
Classification: Benign. Last evaluated: 2018-10-06. Review status: criteria provided, single submitter. Criteria: GeneDx Variant Classification Process June 2021. Collection method: clinical testing. Allele origin: germline. Affected: yes.

Illumina Laboratory Services, Illumina
Classification: Benign for Abetalipoproteinaemia. Last evaluated: 2018-01-13. Review status: criteria provided, single submitter. Criteria: ICSL Variant Classification Criteria 13 December 2019. Collection method: clinical testing. Allele origin: germline.
Comment: This variant was observed in the ICSL laboratory as part of a predisposition screen in an ostensibly healthy population. It had not been previously curated by ICSL or reported in the Human Gene Mutation Database (HGMD: prior to June 1st, 2018), and was therefore a candidate for classification through an automated scoring system. Utilizing variant allele frequency, disease prevalence and penetrance estimates, and inheritance mode, an automated score was calculated to assess if this variant is too frequent to cause the disease. Based on the score and internal cut-off values, a variant classified as benign is not then subjected to further curation. The score for this variant resulted in a classification of benign for this disease.

Genome Diagnostics Laboratory, University Medical Center Utrecht
Classification: Benign for Abetalipoproteinaemia. Last evaluated: 2015-12-09. Review status: criteria provided, single submitter. Criteria: ACGS Guidelines, 2013. Collection method: clinical testing. Allele origin: germline. Affected: yes. Study: VKGL Data-share Consensus.

Breakthrough Genomics
Classification: Benign. Review status: criteria provided, single submitter. Criteria: ACMG Guidelines, 2015. Collection method: not provided. Allele origin: germline. Inheritance: Autosomal recessive inheritance. Affected: yes.

Clinical Genetics, Academic Medical Center
Classification: Benign. Review status: no assertion criteria provided. Collection method: clinical testing. Allele origin: germline. Affected: yes. Study: VKGL Data-share Consensus. Not counted in ClinVar's aggregate classification.

NM_001386140.1(MTTP):c.1769+14C>T

Gene: MTTP (microsomal triglyceride transfer protein; plus strand). Cytogenetic location: 4q23.
Variant type: single nucleotide variant.
Coding change: c.1769+14C>T on transcript NM_001386140.1 (MANE Select); 14 bases into the intron after coding-DNA position 1769, C replaced by T.
Molecular consequence: intron variant.
Genome position (GRCh38, 1-based): chr4:99,608,991, C>T. VCF-style: chr4-99608991-C-T. GRCh37 (hg19) VCF-style: chr4-100530148-C-T.
Other names: c.1769+14C>T (NM_000253.4); c.1520+14C>T (NM_001300785.2).
Identifiers: ClinVar variation 347038 (VCV000347038.17), dbSNP rs41275713, ClinGen allele CA3022174.